The following is an entry in ClinVar:

ClinVar aggregate classification (germline): Likely benign. Review status: criteria provided, multiple submitters, no conflicts (2 of 4 stars). 3 submissions from 3 submitters: Likely benign (2). 1 of the submissions does not count toward it. Last evaluated 2026-02-01.

Conditions:
IRF2BP2-related disorder. Also called: IRF2BP2-related condition.

Allele frequency attached by ClinVar (database versions not stated): gnomAD 0.00042 and 0.00054; gnomAD exomes 0.00133.

Submissions (3):

Labcorp Genetics (formerly Invitae), Labcorp
Classification: Likely benign. Last evaluated: 2026-02-01. Review status: criteria provided, single submitter. Criteria: Invitae Variant Classification Sherloc (09022015). Collection method: clinical testing. Allele origin: germline.

Blueprint Genetics
Classification: Likely benign. Last evaluated: 2024-11-22. Review status: criteria provided, single submitter. Criteria: ACMG Guidelines, 2015. Collection method: clinical testing. Allele origin: germline.

PreventionGenetics, part of Exact Sciences
Classification: Likely benign for IRF2BP2-related condition. Last evaluated: 2019-11-12. Review status: no assertion criteria provided. Collection method: clinical testing. Allele origin: germline. Not counted in ClinVar's aggregate classification.
Comment: This variant is classified as likely benign based on ACMG/AMP sequence variant interpretation guidelines (Richards et al. 2015 PMID: 25741868, with internal and published modifications).

NM_182972.3(IRF2BP2):c.261C>T (p.Ser87=)

Genes: IRF2BP2 (interferon regulatory factor 2 binding protein 2; minus strand), LOC129932812 (ATAC-STARR-seq lymphoblastoid silent region 1977; plus strand). Cytogenetic location: 1q42.3.
Variant type: single nucleotide variant.
Coding change: c.261C>T on transcript NM_182972.3 (MANE Select); coding-DNA position 261, C replaced by T.
Protein change: p.Ser87=; no amino-acid change (serine 87 retained).
Molecular consequence: synonymous variant.
Genome position (GRCh38, 1-based): chr1:234,609,234, G>A on the plus strand (C>T on the coding strand, the complement: IRF2BP2 is on the minus strand). VCF-style: chr1-234609234-G-A. GRCh37 (hg19) VCF-style: chr1-234744980-G-A.
Other names: c.261C>T (NM_182972.2); c.261C>T, p.Ser87= (NM_001077397.1).
Identifiers: ClinVar variation 1670049 (VCV001670049.11), dbSNP rs1033464164, ClinGen allele CA39546878.
Genomic context (GRCh38, chr1:234,609,234, plus strand): 5'-GGCCGCCTCGGGGCCGCCGTGGCCAAGCTGCTGCTGCTGCTGCAAAAGGATGTCCTTGGC[G>A]GAGAGCGGCGGCGGCTTGGCGGCGGCCGAGGCCGCGGCGCCGGGTGGGGAGCGACCCTCC-3'
Protein context (NP_892017.2, residues 77-97): ASAAAKPPPL[Ser87=]AKDILLQQQQ